The following is an entry in ClinVar:

ClinVar aggregate classification (germline): Uncertain significance. Review status: criteria provided, multiple submitters, no conflicts (2 of 4 stars). 4 submissions from 4 submitters: Uncertain significance (4). Last evaluated 2026-02-09.

Conditions:
Inborn genetic diseases. Identifiers: MedGen C0950123, MeSH D030342.
Non-acquired combined pituitary hormone deficiency with spine abnormalities (CPHD3). Also called: Winkelman Bethge Pfeiffer syndrome; WBP syndrome; Combined pituitary hormone deficiency type 3. Identifiers: Orphanet 231720, MedGen C3489787, MONDO:0009091, OMIM 221750.

Allele frequency attached by ClinVar (database versions not stated): ExAC 0.00001; gnomAD 0.00001; gnomAD exomes 0.00002 and 0.00004; TOPMed 0.00003.

Submissions (4):

Women's Health and Genetics/Laboratory Corporation of America, LabCorp
Classification: Uncertain significance. Last evaluated: 2026-02-09. Review status: criteria provided, single submitter. Criteria: LabCorp Variant Classification Summary - May 2015. Collection method: clinical testing. Allele origin: germline.
Comment: Variant summary: LHX3 c.827G>A (p.Gly276Asp) results in a non-conservative amino acid change in the encoded protein sequence. Algorithms developed to predict the effect of missense changes on protein structure and function are either unavailable or do not agree on the potential impact of this missense change. The variant allele was found at a frequency of 3.9e-05 in 231950 control chromosomes. The available data on variant occurrences in the general population are insufficient to allow any conclusion about variant significance. To our knowledge, no occurrence of c.827G>A in individuals affected with LHX3-related conditions and no experimental evidence demonstrating its impact on protein function have been reported. ClinVar contains an entry for this variant (Variation ID: 914777). Based on the evidence outlined above, the variant was classified as uncertain significance.

Labcorp Genetics (formerly Invitae), Labcorp
Classification: Uncertain significance. Last evaluated: 2021-09-17. Review status: criteria provided, single submitter. Criteria: Invitae Variant Classification Sherloc (09022015). Collection method: clinical testing. Allele origin: germline.
Comment: This variant is present in population databases (rs758724505, ExAC 0.002%). This variant has not been reported in the literature in individuals with LHX3-related conditions. In summary, the available evidence is currently insufficient to determine the role of this variant in disease. Therefore, it has been classified as a Variant of Uncertain Significance.

Ambry Genetics
Classification: Uncertain significance for Inborn genetic diseases. Last evaluated: 2021-09-01. Review status: criteria provided, single submitter. Criteria: Ambry Variant Classification Scheme 2023. Collection method: clinical testing. Allele origin: germline.

Illumina Laboratory Services, Illumina
Classification: Uncertain significance for Non-acquired combined pituitary hormone deficiency with spine abnormalities. Last evaluated: 2018-01-13. Review status: criteria provided, single submitter. Criteria: ICSL Variant Classification Criteria 13 December 2019. Collection method: clinical testing. Allele origin: germline.

NM_178138.6(LHX3):c.812G>A (p.Gly271Asp)

Gene: LHX3 (LIM homeobox 3; minus strand). Cytogenetic location: 9q34.3.
Variant type: single nucleotide variant.
Coding change: c.812G>A on transcript NM_178138.6 (MANE Select); coding-DNA position 812, G replaced by A.
Protein change: p.Gly271Asp; replaces glycine 271 with aspartic acid.
Molecular consequence: missense variant.
Genome position (GRCh38, 1-based): chr9:136,197,707, C>T on the plus strand (G>A on the coding strand, the complement: LHX3 is on the minus strand). VCF-style: chr9-136197707-C-T. GRCh37 (hg19) VCF-style: chr9-139089553-C-T.
Other names: c.779G>A, p.Gly260Asp (NM_001363746.1); c.827G>A, p.Gly276Asp (NM_014564.5); short protein forms G260D, G276D, G271D.
Identifiers: ClinVar variation 914777 (VCV000914777.7), dbSNP rs758724505, ClinGen allele CA5330324.
Genomic context (GRCh38, chr9:136,197,707, plus strand): 5'-CCCAGGGCTCCCGAGGGCCGGCCCAAGGCCTGGGTGGGTTCCCCCAAGCTCCCGTAGAGG[C>T]CATTGGCCGGGCCCATTTCCGCCAAGGAAGGCTCATCTGCAACAGAAGCAGAGGCTCAGT-3'
Protein context (NP_835258.1, residues 261-281): PSLAEMGPAN[Gly271Asp]LYGSLGEPTQ